The following is an entry in ClinVar:

ClinVar aggregate classification (germline): Uncertain significance (1 of 4 stars; one submission).

Conditions:
Surfactant metabolism dysfunction, pulmonary, 4 (SMDP4). Also called: PAP DUE TO CSF2RA DEFICIENCY; PULMONARY ALVEOLAR PROTEINOSIS, CONGENITAL, 4; CSF2RA DEFICIENCY. Identifiers: Orphanet 264675, MedGen C2677877, MONDO:0010424, OMIM 300770.

gnomAD v4.1: 5 of 1,613,770 alleles (0.00031%); highest among the groups gnomAD compares: African/African-American, 0.0027%; no homozygotes.

Submission:

Labcorp Genetics (formerly Invitae), Labcorp
Classification: Uncertain significance for Surfactant metabolism dysfunction, pulmonary, 4. Last evaluated: 2021-08-12. Review status: criteria provided, single submitter. Criteria: Invitae Variant Classification Sherloc (09022015). Collection method: clinical testing. Allele origin: germline.
Comment: This sequence change replaces serine with leucine at codon 80 of the CSF2RA protein (p.Ser80Leu). The serine residue is weakly conserved and there is a large physicochemical difference between serine and leucine. This variant is not present in population databases (ExAC no frequency). This variant has not been reported in the literature in individuals affected with CSF2RA-related conditions. Algorithms developed to predict the effect of missense changes on protein structure and function (SIFT, PolyPhen-2, Align-GVGD) all suggest that this variant is likely to be tolerated. In summary, the available evidence is currently insufficient to determine the role of this variant in disease. Therefore, it has been classified as a Variant of Uncertain Significance.

NM_172245.4(CSF2RA):c.239C>T (p.Ser80Leu)

Gene: CSF2RA (colony stimulating factor 2 receptor subunit alpha; plus strand). Cytogenetic location: Xp22.33.
Variant type: single nucleotide variant.
Coding change: c.239C>T on transcript NM_172245.4 (MANE Select); coding-DNA position 239, C replaced by T.
Protein change: p.Ser80Leu; replaces serine 80 with leucine.
Molecular consequence: missense variant. On other transcripts: 5 prime UTR variant (1), non-coding transcript variant (1).
Genome position (GRCh38, 1-based): chrX:1,288,538, C>T. VCF-style: chrX-1288538-C-T. GRCh37 (hg19) VCF-style: chrX-1407431-C-T.
Other names: c.239C>T, p.Ser80Leu (NM_001161529.2, NM_001161530.2, NM_001161531.2 and 20 more transcripts); c.-161C>T (NM_001161532.2); short protein forms S80L.
Identifiers: ClinVar variation 1464193 (VCV001464193.6), dbSNP rs201854740, ClinGen allele CA412234946.